The following is an entry in ClinVar:

NM_182977.3(NNT):c.2370C>T (p.Gly790=)

Gene: NNT (nicotinamide nucleotide transhydrogenase; plus strand). Cytogenetic location: 5p12.
Variant type: single nucleotide variant.
Coding change: c.2370C>T on transcript NM_182977.3 (MANE Select); coding-DNA position 2370, C replaced by T.
Protein change: p.Gly790=; no amino-acid change (glycine 790 retained).
Molecular consequence: synonymous variant.
Genome position (GRCh38, 1-based): chr5:43,656,729, C>T. VCF-style: chr5-43656729-C-T. GRCh37 (hg19) VCF-style: chr5-43656831-C-T.
Other names: c.1977C>T, p.Gly659= (NM_001331026.2); c.2370C>T, p.Gly790= (NM_012343.4); c.2370C>T (NM_012343.3).
Identifiers: ClinVar variation 1400000 (VCV001400000.8), dbSNP rs371081845, ClinGen allele CA3258224.

ClinVar aggregate classification (germline): Likely benign. Review status: criteria provided, single submitter (1 of 4 stars). 2 submissions from 2 submitters: Likely benign (1). 1 of the submissions does not count toward it. Last evaluated 2022-09-13.

Conditions:
NNT-related disorder. Also called: NNT-related condition.

Allele frequency attached by ClinVar (database versions not stated): gnomAD 0.00001; ExAC 0.00002; TOPMed 0.00003; gnomAD exomes 0.00004; ESP Exome Variant Server 0.00008.
gnomAD v4.1: 46 of 1,613,980 alleles (0.0029%); highest among the groups gnomAD compares: East Asian, 0.0067%; no homozygotes.

Submissions (2):

Labcorp Genetics (formerly Invitae), Labcorp
Classification: Likely benign. Last evaluated: 2022-09-13. Review status: criteria provided, single submitter. Criteria: Invitae Variant Classification Sherloc (09022015). Collection method: clinical testing. Allele origin: germline.

PreventionGenetics, part of Exact Sciences
Classification: Likely benign for NNT-related condition. Last evaluated: 2024-01-12. Review status: no assertion criteria provided. Collection method: clinical testing. Allele origin: germline. Not counted in ClinVar's aggregate classification.
Comment: This variant is classified as likely benign based on ACMG/AMP sequence variant interpretation guidelines (Richards et al. 2015 PMID: 25741868, with internal and published modifications).